The following is an entry in ClinVar:

ClinVar aggregate classification (germline): Uncertain significance (1 of 4 stars; one submission).

gnomAD v4.1: 1 of 1,613,772 alleles (0.000062%); highest among the groups gnomAD compares: Non-Finnish European, 0.000085%; no homozygotes.

Submission:

Labcorp Genetics (formerly Invitae), Labcorp
Classification: Uncertain significance. Last evaluated: 2024-04-08. Review status: criteria provided, single submitter. Criteria: Invitae Variant Classification Sherloc (09022015). Collection method: clinical testing. Allele origin: germline.
Comment: This sequence change replaces proline, which is neutral and non-polar, with serine, which is neutral and polar, at codon 1721 of the KMT2E protein (p.Pro1721Ser). This variant is not present in population databases (gnomAD no frequency). This variant has not been reported in the literature in individuals affected with KMT2E-related conditions. An algorithm developed to predict the effect of missense changes on protein structure and function (PolyPhen-2) suggests that this variant is likely to be disruptive. In summary, the available evidence is currently insufficient to determine the role of this variant in disease. Therefore, it has been classified as a Variant of Uncertain Significance.

NM_182931.3(KMT2E):c.5161C>T (p.Pro1721Ser)

Gene: KMT2E (lysine methyltransferase 2E (inactive); plus strand). Cytogenetic location: 7q22.3.
Variant type: single nucleotide variant.
Coding change: c.5161C>T on transcript NM_182931.3 (MANE Select); coding-DNA position 5161, C replaced by T.
Protein change: p.Pro1721Ser; replaces proline 1721 with serine.
Molecular consequence: missense variant.
Genome position (GRCh38, 1-based): chr7:105,112,917, C>T. VCF-style: chr7-105112917-C-T. GRCh37 (hg19) VCF-style: chr7-104753364-C-T.
Other names: c.5035C>T, p.Pro1679Ser (NM_001410908.1); c.5161C>T, p.Pro1721Ser (NM_018682.4); short protein forms P1721S, P1679S.
Identifiers: ClinVar variation 3648510 (VCV003648510.2).
Genomic context (GRCh38, chr7:105,112,917, plus strand): 5'-CAAGGTCTACAAGCACAACACCAGCATGTTGTAAATTCAGCACCCCCACCACCCCCTCCG[C>T]CGCCACCTTCCAGTGTTTTGGCTTCTGGGCATCATACCACATCAGCTCAAGCCTTACACC-3'
Protein context (NP_891847.1, residues 1711-1731): VNSAPPPPPP[Pro1721Ser]PPSSVLASGH